The following is an entry in ClinVar:

ClinVar aggregate classification (germline): Conflicting classifications of pathogenicity. Review status: criteria provided, conflicting classifications (1 of 4 stars). 2 submissions from 2 submitters: Uncertain significance (1); Likely benign (1). Last evaluated 2025-12-01.

Conditions:
Idiopathic generalized epilepsy. Also called: EIG; Generalised epilepsy. Identifiers: MedGen C0270850, MONDO:0005579, OMIM 600669.
Hyperaldosteronism, familial, type IV (HALD4). Also called: FH IV; ALDOSTERONISM, PRIMARY, AND HYPERTENSION. Identifiers: Orphanet 642671, MedGen C4310756, MONDO:0014875, OMIM 617027.

Allele frequency attached by ClinVar (database versions not stated): gnomAD 0.00006; TOPMed 0.00008.
gnomAD v4.1: 80 of 1,587,136 alleles (0.005%); highest among the groups gnomAD compares: Non-Finnish European, 0.0063%; no homozygotes.

Submissions (2):

Labcorp Genetics (formerly Invitae), Labcorp
Classification: Likely benign for Idiopathic generalized epilepsy; Hyperaldosteronism, familial, type IV. Last evaluated: 2025-12-01. Review status: criteria provided, single submitter. Criteria: Invitae Variant Classification Sherloc (09022015). Collection method: clinical testing. Allele origin: germline.

Women's Health and Genetics/Laboratory Corporation of America, LabCorp
Classification: Uncertain significance. Last evaluated: 2025-09-17. Review status: criteria provided, single submitter. Criteria: LabCorp Variant Classification Summary - May 2015. Collection method: clinical testing. Allele origin: germline.
Comment: Variant summary: CACNA1H c.6328C>T (p.Pro2110Ser) results in a non-conservative amino acid change in the encoded protein sequence. Algorithms developed to predict the effect of missense changes on protein structure and function are either unavailable or do not agree on the potential impact of this missense change. The variant allele was found at a frequency of 6.1e-05 in 212746 control chromosomes. This frequency is not significantly higher than estimated for disease-causing variants in CACNA1H, allowing no conclusion about variant significance. c.6328C>T has been observed in individual(s) affected with Idiopathic Generalized Epilepsy (Al Anazi_2022). These report(s) do not provide unequivocal conclusions about association of the variant with Idiopathic Generalized Epilepsy. To our knowledge, no experimental evidence demonstrating an impact on protein function has been reported. The following publication have been ascertained in the context of this evaluation (PMID: 36539902). ClinVar contains an entry for this variant (Variation ID: 573812). Based on the evidence outlined above, the variant was classified as uncertain significance.

Literature cited by the submitters: PubMed 36539902 (cited by Women's Health and Genetics/Laboratory Corporation of America, LabCorp).

NM_021098.3(CACNA1H):c.6328C>T (p.Pro2110Ser)

Gene: CACNA1H (calcium voltage-gated channel subunit alpha1 H; plus strand). Cytogenetic location: 16p13.3.
Variant type: single nucleotide variant.
Coding change: c.6328C>T on transcript NM_021098.3 (MANE Select); coding-DNA position 6328, C replaced by T.
Protein change: p.Pro2110Ser; replaces proline 2110 with serine.
Molecular consequence: missense variant.
Genome position (GRCh38, 1-based): chr16:1,220,260, C>T. VCF-style: chr16-1220260-C-T. GRCh37 (hg19) VCF-style: chr16-1270260-C-T.
Other names: c.6310C>T, p.Pro2104Ser (NM_001005407.2); short protein forms P2110S, P2104S.
Identifiers: ClinVar variation 573812 (VCV000573812.10), dbSNP rs746537400, ClinGen allele CA7802315.